The following is an entry in ClinVar:

ClinVar aggregate classification (germline): Uncertain significance. Review status: criteria provided, multiple submitters, no conflicts (2 of 4 stars). 4 submissions from 4 submitters: Uncertain significance (4). Last evaluated 2024-11-06.

Conditions:
Nephronophthisis. Also called: Juvenile Nephronophthisis. Identifiers: Orphanet 655, MedGen C0687120, MONDO:0019005, HP:0000090.
Nephronophthisis 1 (NPHP1). Also called: Nephronophthisis familial juvenile. Identifiers: Orphanet 655, Orphanet 93592, MedGen C1855681, MONDO:0009728, OMIM 256100.
Senior-Loken syndrome 1 (SLSN1). Also called: JUVENILE NEPHRONOPHTHISIS WITH LEBER AMAUROSIS. Identifiers: Orphanet 3156, MedGen C4551559, MONDO:0009962, OMIM 266900.
Joubert syndrome with renal defect. Also called: JOUBERT SYNDROME 4. Identifiers: Orphanet 220497, MedGen C1846790, MONDO:0012308, OMIM 609583.

Allele frequency attached by ClinVar (database versions not stated): gnomAD 0.00001; gnomAD exomes 0.00001 and 0.00003; TOPMed 0.00002.
gnomAD v4.1: 17 of 1,609,154 alleles (0.0011%); highest among the groups gnomAD compares: Admixed American, 0.015%; no homozygotes.

Submissions (4):

Blueprint Genetics
Classification: Uncertain significance. Last evaluated: 2024-11-06. Review status: criteria provided, single submitter. Criteria: ACMG Guidelines, 2015. Collection method: clinical testing. Allele origin: germline.

Fulgent Genetics
Classification: Uncertain significance for Nephronophthisis 1; Senior-Loken syndrome 1; Joubert syndrome with renal defect. Last evaluated: 2024-04-18. Review status: criteria provided, single submitter. Criteria: ACMG Guidelines, 2015. Collection method: clinical testing. Allele origin: germline.

GeneDx
Classification: Uncertain significance. Last evaluated: 2023-04-07. Review status: criteria provided, single submitter. Criteria: GeneDx Variant Classification Process June 2021. Collection method: clinical testing. Allele origin: germline. Affected: yes.
Comment: In silico analysis supports that this missense variant has a deleterious effect on protein structure/function; Has not been previously published as pathogenic or benign to our knowledge

Labcorp Genetics (formerly Invitae), Labcorp
Classification: Uncertain significance for Nephronophthisis. Last evaluated: 2022-09-06. Review status: criteria provided, single submitter. Criteria: Invitae Variant Classification Sherloc (09022015). Collection method: clinical testing. Allele origin: germline.
Comment: This sequence change replaces valine, which is neutral and non-polar, with glycine, which is neutral and non-polar, at codon 564 of the NPHP1 protein (p.Val564Gly). This variant is present in population databases (no rsID available, gnomAD 0.02%). This variant has not been reported in the literature in individuals affected with NPHP1-related conditions. ClinVar contains an entry for this variant (Variation ID: 972326). Algorithms developed to predict the effect of missense changes on protein structure and function (SIFT, PolyPhen-2, Align-GVGD) all suggest that this variant is likely to be tolerated. In summary, the available evidence is currently insufficient to determine the role of this variant in disease. Therefore, it has been classified as a Variant of Uncertain Significance.

NM_001128178.3(NPHP1):c.1523T>G (p.Val508Gly)

Gene: NPHP1 (nephrocystin 1; minus strand). Cytogenetic location: 2q13.
Variant type: single nucleotide variant.
Coding change: c.1523T>G on transcript NM_001128178.3 (MANE Select); coding-DNA position 1523, T replaced by G.
Protein change: p.Val508Gly; replaces valine 508 with glycine.
Molecular consequence: missense variant.
Genome position (GRCh38, 1-based): chr2:110,143,548, A>C on the plus strand (T>G on the coding strand, the complement: NPHP1 is on the minus strand). VCF-style: chr2-110143548-A-C. GRCh37 (hg19) VCF-style: chr2-110901125-A-C.
Other names: c.1691T>G, p.Val564Gly (NM_000272.5); c.1334T>G, p.Val445Gly (NM_001128179.3); c.1520T>G, p.Val507Gly (NM_001374256.1); c.1523T>G, p.Val508Gly (NM_001374257.1); c.1688T>G, p.Val563Gly (NM_207181.4); short protein forms V563G, V564G, V445G, V507G, V508G.
Identifiers: ClinVar variation 972326 (VCV000972326.11), dbSNP rs951115963, ClinGen allele CA53533947.